The following is an entry in ClinVar:

NM_006306.4(SMC1A):c.1731+3G>T

Gene: SMC1A (structural maintenance of chromosomes 1A; minus strand). Cytogenetic location: Xp11.22.
Variant type: single nucleotide variant.
Coding change: c.1731+3G>T on transcript NM_006306.4 (MANE Select); 3 bases into the intron after coding-DNA position 1731, G replaced by T.
Molecular consequence: intron variant.
Genome position (GRCh38, 1-based): chrX:53,405,768, C>A on the plus strand (G>T on the coding strand, the complement: SMC1A is on the minus strand). VCF-style: chrX-53405768-C-A. GRCh37 (hg19) VCF-style: chrX-53432700-C-A.
Other names: c.1665+3G>T (NM_001281463.1).
Identifiers: ClinVar variation 1046997 (VCV001046997.6), dbSNP rs2075688980, ClinGen allele CA2429825373.

ClinVar aggregate classification (germline): Uncertain significance (1 of 4 stars; one submission).

Conditions:
Congenital muscular hypertrophy-cerebral syndrome (CDLS2). Also called: SMC1A-Related Cornelia de Lange Syndrome; Cornelia de Lange syndrome 2. Identifiers: Orphanet 199, MedGen C1802395, MONDO:0010370, OMIM 300590.

Submission:

Labcorp Genetics (formerly Invitae), Labcorp
Classification: Uncertain significance for Congenital muscular hypertrophy-cerebral syndrome. Last evaluated: 2020-03-26. Review status: criteria provided, single submitter. Criteria: Invitae Variant Classification Sherloc (09022015). Collection method: clinical testing. Allele origin: germline.
Comment: This variant has not been reported in the literature in individuals with SMC1A-related conditions. This variant is not present in population databases (ExAC no frequency). This sequence change falls in intron 10 of the SMC1A gene. It does not directly change the encoded amino acid sequence of the SMC1A protein, but it affects a nucleotide within the consensus splice site of the intron. In summary, the available evidence is currently insufficient to determine the role of this variant in disease. Therefore, it has been classified as a Variant of Uncertain Significance. Nucleotide substitutions within the consensus splice site are a relatively common cause of aberrant splicing (PMID: 17576681, 9536098). Algorithms developed to predict the effect of sequence changes on RNA splicing suggest that this variant may disrupt the consensus splice site, but this prediction has not been confirmed by published transcriptional studies.

Literature cited by the submitters: PubMed 17576681; PubMed 9536098.